The following is an entry in ClinVar:

NM_021096.4(CACNA1I):c.5199G>A (p.Leu1733=)

Gene: CACNA1I (calcium voltage-gated channel subunit alpha1 I; plus strand). Cytogenetic location: 22q13.1.
Variant type: single nucleotide variant.
Coding change: c.5199G>A on transcript NM_021096.4 (MANE Select); coding-DNA position 5199, G replaced by A.
Protein change: p.Leu1733=; no amino-acid change (leucine 1733 retained).
Molecular consequence: synonymous variant.
Genome position (GRCh38, 1-based): chr22:39,679,250, G>A. VCF-style: chr22-39679250-G-A. GRCh37 (hg19) VCF-style: chr22-40075255-G-A.
Other names: c.5094G>A, p.Leu1698= (NM_001003406.2).
Identifiers: ClinVar variation 2653160 (VCV002653160.24), dbSNP rs758833538, ClinGen allele CA10244932.

ClinVar aggregate classification (germline): Likely benign (1 of 4 stars; one submission).

Allele frequency attached by ClinVar (database versions not stated): gnomAD 0.00001; TOPMed 0.00002; ExAC 0.00005.
gnomAD v4.1: 24 of 1,590,888 alleles (0.0015%); highest among the groups gnomAD compares: Middle Eastern, 0.13%; no homozygotes.

Submission:

CeGaT Center for Human Genetics Tuebingen
Classification: Likely benign. Last evaluated: 2022-07-01. Review status: criteria provided, single submitter. Criteria: CeGaT Center For Human Genetics Tuebingen Variant Classification Criteria Version 2. Collection method: clinical testing. Allele origin: germline. Affected: yes. Observed: 1 variant allele.
Comment: CACNA1I: BP4, BP7